The following is an entry in ClinVar:

ClinVar aggregate classification (germline): Uncertain significance (1 of 4 stars; one submission).

Conditions:
Cone-rod dystrophy 6 (CORD6). Also called: RETINAL CONE DYSTROPHY 2; Cone dystrophy progressive. Identifiers: Orphanet 1872, MedGen C1866293, MONDO:0011143, OMIM 601777.
Leber congenital amaurosis 1 (LCA1). Also called: AMAUROSIS CONGENITA OF LEBER I; Congenital absence of the rods and cones; Leber's congenital tapetoretinal degeneration; Leber's congenital tapetoretinal dysplasia; RETINAL BLINDNESS, CONGENITAL. Identifiers: Orphanet 65, MedGen C2931258, MONDO:0008764, OMIM 204000.

Allele frequency attached by ClinVar (database versions not stated): gnomAD exomes below 0.00001; TOPMed below 0.00001.
gnomAD v4.1: 1 of 1,613,066 alleles (0.000062%); highest among the groups gnomAD compares: Non-Finnish European, 0.000085%; no homozygotes.

Submission:

Labcorp Genetics (formerly Invitae), Labcorp
Classification: Uncertain significance for Leber congenital amaurosis 1; Cone-rod dystrophy 6. Last evaluated: 2025-03-31. Review status: criteria provided, single submitter. Criteria: Invitae Variant Classification Sherloc (09022015). Collection method: clinical testing. Allele origin: germline.
Comment: This sequence change replaces alanine, which is neutral and non-polar, with threonine, which is neutral and polar, at codon 703 of the GUCY2D protein (p.Ala703Thr). This variant is not present in population databases (gnomAD no frequency). This variant has not been reported in the literature in individuals affected with GUCY2D-related conditions. ClinVar contains an entry for this variant (Variation ID: 1423478). Invitae Evidence Modeling of protein sequence and biophysical properties (such as structural, functional, and spatial information, amino acid conservation, physicochemical variation, residue mobility, and thermodynamic stability) indicates that this missense variant is not expected to disrupt GUCY2D protein function with a negative predictive value of 80%. In summary, the available evidence is currently insufficient to determine the role of this variant in disease. Therefore, it has been classified as a Variant of Uncertain Significance.

NM_000180.4(GUCY2D):c.2107G>A (p.Ala703Thr)

Gene: GUCY2D (guanylate cyclase 2D, retinal; plus strand). Cytogenetic location: 17p13.1.
Variant type: single nucleotide variant.
Coding change: c.2107G>A on transcript NM_000180.4 (MANE Select); coding-DNA position 2107, G replaced by A.
Protein change: p.Ala703Thr; replaces alanine 703 with threonine.
Molecular consequence: missense variant.
Genome position (GRCh38, 1-based): chr17:8,012,600, G>A. VCF-style: chr17-8012600-G-A. GRCh37 (hg19) VCF-style: chr17-7915918-G-A.
Other names: short protein forms A703T.
Identifiers: ClinVar variation 1423478 (VCV001423478.6), dbSNP rs1270111845, ClinGen allele CA397952648.